The following is an entry in ClinVar:

ClinVar aggregate classification (germline): Uncertain significance (1 of 4 stars; one submission).

Allele frequency attached by ClinVar (database versions not stated): gnomAD exomes below 0.00001; TOPMed below 0.00001; ExAC 0.00001.

Submission:

Labcorp Genetics (formerly Invitae), Labcorp
Classification: Uncertain significance. Last evaluated: 2022-07-15. Review status: criteria provided, single submitter. Criteria: Invitae Variant Classification Sherloc (09022015). Collection method: clinical testing. Allele origin: germline.
Comment: This sequence change replaces asparagine, which is neutral and polar, with serine, which is neutral and polar, at codon 257 of the CSGALNACT1 protein (p.Asn257Ser). This variant is present in population databases (rs775465310, gnomAD 0.0009%). This variant has not been reported in the literature in individuals affected with CSGALNACT1-related conditions. Algorithms developed to predict the effect of missense changes on protein structure and function output the following: SIFT: "Tolerated"; PolyPhen-2: "Benign"; Align-GVGD: "Class C0". The serine amino acid residue is found in multiple mammalian species, which suggests that this missense change does not adversely affect protein function. In summary, the available evidence is currently insufficient to determine the role of this variant in disease. Therefore, it has been classified as a Variant of Uncertain Significance.

NM_001354483.2(CSGALNACT1):c.770A>G (p.Asn257Ser)

Gene: CSGALNACT1 (chondroitin sulfate N-acetylgalactosaminyltransferase 1; minus strand). Cytogenetic location: 8p21.3.
Variant type: single nucleotide variant.
Coding change: c.770A>G on transcript NM_001354483.2 (MANE Select); coding-DNA position 770, A replaced by G.
Protein change: p.Asn257Ser; replaces asparagine 257 with serine.
Molecular consequence: missense variant. On other transcripts: non-coding transcript variant (7).
Genome position (GRCh38, 1-based): chr8:19,458,507, T>C on the plus strand (A>G on the coding strand, the complement: CSGALNACT1 is on the minus strand). VCF-style: chr8-19458507-T-C. GRCh37 (hg19) VCF-style: chr8-19316018-T-C.
Other names: c.770A>G, p.Asn257Ser (NM_001130518.2, NM_001354475.2, NM_001354476.2 and 18 more transcripts); short protein forms N257S.
Identifiers: ClinVar variation 1916427 (VCV001916427.5), dbSNP rs775465310, ClinGen allele CA4654124.